The following is an entry in ClinVar:

ClinVar aggregate classification (germline): Uncertain significance (1 of 4 stars; one submission).

Allele frequency attached by ClinVar (database versions not stated): gnomAD exomes below 0.00001 and 0.00001; ExAC 0.00001; 1000 Genomes Project 0.00020; gnomAD 0.00006; 1000 Genomes Project 30x 0.00016.

Submission:

GeneDx
Classification: Uncertain significance. Last evaluated: 2020-10-01. Review status: criteria provided, single submitter. Criteria: GeneDx Variant Classification Process June 2021. Collection method: clinical testing. Allele origin: germline. Affected: yes.
Comment: In silico analysis, which includes splice predictors and evolutionary conservation, suggests this variant may impact gene splicing. In the absence of RNA/functional studies, the actual effect of this sequence change is unknown; Has not been previously published as pathogenic or benign to our knowledge

NM_014208.3(DSPP):c.657C>T (p.Ser219=)

Genes: DMP1-AS1 (DMP1 and DSPP antisense RNA 1; minus strand), DSPP (dentin sialophosphoprotein; plus strand). Cytogenetic location: 4q22.1.
Variant type: single nucleotide variant.
Coding change: c.657C>T on transcript NM_014208.3 (MANE Select); coding-DNA position 657, C replaced by T.
Protein change: p.Ser219=; no amino-acid change (serine 219 retained).
Molecular consequence: synonymous variant.
Genome position (GRCh38, 1-based): chr4:87,612,843, C>T. VCF-style: chr4-87612843-C-T. GRCh37 (hg19) VCF-style: chr4-88533995-C-T.
Identifiers: ClinVar variation 1218421 (VCV001218421.3), dbSNP rs555921691, ClinGen allele CA3000931.